The following is an entry in ClinVar:

NM_005883.3(APC2):c.6111C>T (p.Phe2037=)

Gene: APC2 (APC regulator of WNT signaling pathway 2; plus strand). Cytogenetic location: 19p13.3.
Variant type: single nucleotide variant.
Coding change: c.6111C>T on transcript NM_005883.3 (MANE Select); coding-DNA position 6111, C replaced by T.
Protein change: p.Phe2037=; no amino-acid change (phenylalanine 2037 retained).
Molecular consequence: synonymous variant.
Genome position (GRCh38, 1-based): chr19:1,469,412, C>T. VCF-style: chr19-1469412-C-T. GRCh37 (hg19) VCF-style: chr19-1469411-C-T.
Other names: c.6108C>T, p.Phe2036= (NM_001351273.1).
Identifiers: ClinVar variation 1033036 (VCV001033036.1), dbSNP rs1405418055, ClinGen allele CA504899134.

ClinVar aggregate classification (germline): Uncertain significance (1 of 4 stars; one submission).

Conditions:
Intellectual developmental disorder, autosomal recessive 74 (MRT74). Also called: Sotos syndrome 3. Identifiers: MedGen C4310684, MONDO:0014951, OMIM 617169.

Allele frequency attached by ClinVar (database versions not stated): gnomAD exomes 0.00001; TOPMed 0.00002.
gnomAD v4.1: 3 of 1,196,390 alleles (0.00025%); highest among the groups gnomAD compares: Admixed American, 0.014%; no homozygotes.

Submission:

Baylor Genetics
Classification: Uncertain significance for Intellectual developmental disorder, autosomal recessive 74. Last evaluated: 2018-05-14. Review status: criteria provided, single submitter. Criteria: ACMG Guidelines, 2015. Collection method: clinical testing. Allele origin: maternal. Affected: yes.
Comment: This variant was determined to be of uncertain significance according to ACMG Guidelines, 2015 [PMID:25741868].